The following is an entry in ClinVar:

ClinVar aggregate classification (germline): Conflicting classifications of pathogenicity. Review status: criteria provided, conflicting classifications (1 of 4 stars). 3 submissions from 3 submitters: Uncertain significance (1); Likely benign (2). Last evaluated 2026-05-13.

Conditions:
CHD4-related disorder. Also called: CHD4-related condition.
Inborn genetic diseases. Identifiers: MedGen C0950123, MeSH D030342.

Allele frequency attached by ClinVar (database versions not stated): gnomAD 0.00003; TOPMed 0.00005; ExAC 0.00007.
gnomAD v4.1: 89 of 1,614,044 alleles (0.0055%); highest among the groups gnomAD compares: Middle Eastern, 0.016%; no homozygotes.

Submissions (3):

PreventionGenetics, part of Exact Sciences
Classification: Likely benign for CHD4-related condition. Last evaluated: 2026-05-13. Review status: criteria provided, single submitter. Criteria: ACMG Guidelines, 2015. Collection method: clinical testing. Allele origin: germline.
Comment: This variant is classified as likely benign based on ACMG/AMP sequence variant interpretation guidelines (Richards et al. 2015 PMID: 25741868, with internal and published modifications).

Ambry Genetics
Classification: Likely benign for Inborn genetic diseases. Last evaluated: 2025-04-03. Review status: criteria provided, single submitter. Criteria: Ambry Variant Classification Scheme 2023. Collection method: clinical testing. Allele origin: germline.

Labcorp Genetics (formerly Invitae), Labcorp
Classification: Uncertain significance. Last evaluated: 2023-04-27. Review status: criteria provided, single submitter. Criteria: Invitae Variant Classification Sherloc (09022015). Collection method: clinical testing. Allele origin: germline.
Comment: This variant is present in population databases (rs752750067, gnomAD 0.02%), and has an allele count higher than expected for a pathogenic variant. In summary, the available evidence is currently insufficient to determine the role of this variant in disease. Therefore, it has been classified as a Variant of Uncertain Significance. Advanced modeling of protein sequence and biophysical properties (such as structural, functional, and spatial information, amino acid conservation, physicochemical variation, residue mobility, and thermodynamic stability) performed at Invitae indicates that this missense variant is not expected to disrupt CHD4 protein function. This variant has not been reported in the literature in individuals affected with CHD4-related conditions. This sequence change replaces aspartic acid, which is acidic and polar, with alanine, which is neutral and non-polar, at codon 524 of the CHD4 protein (p.Asp524Ala).

NM_001273.5(CHD4):c.1571A>C (p.Asp524Ala)

Gene: CHD4 (chromodomain helicase DNA binding protein 4; minus strand). Cytogenetic location: 12p13.31.
Variant type: single nucleotide variant.
Coding change: c.1571A>C on transcript NM_001273.5 (MANE Select); coding-DNA position 1571, A replaced by C.
Protein change: p.Asp524Ala; replaces aspartic acid 524 with alanine.
Molecular consequence: missense variant.
Genome position (GRCh38, 1-based): chr12:6,598,337, T>G on the plus strand (A>C on the coding strand, the complement: CHD4 is on the minus strand). VCF-style: chr12-6598337-T-G. GRCh37 (hg19) VCF-style: chr12-6707503-T-G.
Other names: c.1571A>C (NM_001273.3, NM_001273.2); c.1550A>C, p.Asp517Ala (NM_001297553.2); c.1532A>C, p.Asp511Ala (NM_001363606.2); short protein forms D511A, D517A, D524A.
Identifiers: ClinVar variation 2891095 (VCV002891095.5), dbSNP rs752750067, ClinGen allele CA6412204.